The following is an entry in ClinVar:

ClinVar aggregate classification (germline): Pathogenic/Likely pathogenic. Review status: criteria provided, multiple submitters, no conflicts (2 of 4 stars). 17 submissions from 16 submitters: Pathogenic (10); Likely pathogenic (2). 5 of the submissions do not count toward it. Last evaluated 2026-07-07.

Conditions:
Distal renal tubular acidosis. Identifiers: Orphanet 18, MedGen C1704380, MONDO:0015827, HP:0008341.
SLC4A1-related disorder. Also called: SLC4A1-related disorders; SLC4A1-related condition.
Malaria, susceptibility to. Identifiers: Orphanet 673, MedGen C1970028, MONDO:0021024, OMIM 611162.
Renal tubular acidosis, distal, 4, with hemolytic anemia. Also called: Renal Tubular Acidosis, Distal, with Hemolytic Anemia. Identifiers: Orphanet 93610, MedGen C5436235, MONDO:0012700, OMIM 611590.
BLOOD GROUP--DIEGO SYSTEM (DI). Identifiers: MedGen C1292286, OMIM 110500.
BLOOD GROUP--SWANN SYSTEM (SW). Also called: SWANN BLOOD GROUP. Identifiers: MedGen C1832169, OMIM 601550.
BLOOD GROUP, WALDNER (WD). Also called: WALDNER BLOOD GROUP ANTIGEN. Identifiers: MedGen C1862191, OMIM 112010.
BLOOD GROUP--FROESE (FR). Also called: FROESE BLOOD GROUP ANTIGEN. Identifiers: MedGen C1832168, OMIM 601551.
BLOOD GROUP--WRIGHT ANTIGEN (WR). Identifiers: MedGen C1862190, OMIM 112050.
Autosomal dominant distal renal tubular acidosis (DRTA1). Also called: RENAL TUBULAR ACIDOSIS, DISTAL, 1; Renal Tubular Acidosis, Type I; RTA, CLASSIC TYPE; RTA, DISTAL TYPE, AUTOSOMAL DOMINANT; RTA, GRADIENT TYPE. Identifiers: Orphanet 93608, MedGen CN280572, MONDO:0008368, OMIM 179800.
Southeast Asian ovalocytosis. Also called: Elliptocytosis 4; Stomatocytic elliptocytosis, hereditary; Ovalocytosis, Malaysian-Melanesian-Filipino type; HE, STOMATOCYTIC. Identifiers: Orphanet 98868, MedGen C1862322, MONDO:0008165, OMIM 166900.
Cryohydrocytosis. Also called: STOMATOCYTOSIS, COLD-SENSITIVE; Hereditary cryohydrocytosis with normal stomatin; CRYOHYDROCYTOSIS DUE TO BAND 3 HEMEL; CRYOHYDROCYTOSIS DUE TO BAND 3 HURSTPIERPOINT; CRYOHYDROCYTOSIS DUE TO BAND 3 BLACKBURN. Identifiers: Orphanet 398088, MedGen C1861453, MONDO:0008494, OMIM 185020.
Hereditary spherocytosis type 4. Also called: SLC4A1-Related Spherocytosis. Identifiers: Orphanet 822, MedGen C2675212, MONDO:0012981, OMIM 612653.

Allele frequency attached by ClinVar (database versions not stated): gnomAD below 0.00001 and 0.00003; TOPMed below 0.00001; gnomAD exomes 0.00003 and 0.00007; ExAC 0.00012.

Submissions 1 to 9 of 17:

Medgenome Labs Ltd
Classification: Likely pathogenic for Renal tubular acidosis, distal, 4, with hemolytic anemia. Last evaluated: 2026-07-07. Review status: criteria provided, single submitter. Criteria: ACMG Guidelines, 2015. Collection method: clinical testing. Allele origin: germline. Affected: yes.

Labcorp Genetics (formerly Invitae), Labcorp
Classification: Pathogenic. Last evaluated: 2025-05-17. Review status: criteria provided, single submitter. Criteria: Invitae Variant Classification Sherloc (09022015). Collection method: clinical testing. Allele origin: germline.
Comment: This sequence change replaces alanine, which is neutral and non-polar, with aspartic acid, which is acidic and polar, at codon 858 of the SLC4A1 protein (p.Ala858Asp). This variant is present in population databases (rs121912751, gnomAD 0.06%). This missense change has been observed in individuals with autosomal dominant and autosomal recessive distal renal tubular acidosis (dRTA) and hemolytic anemia (PMID: 20151848, 20799361, 22126643, 10926824). Individuals heterozygous for this variant alone have incomplete dRTA and can be asymptomatic until further clinical evaluation (PMID: 10926824, 22126643) while individuals that are either homozygous or compound heterozygous with other pathogenic variants have a more severe complete dRTA and/or hemolytic anemia (PMID: 22126643, 20799361, 10926824). It has also been observed to segregate with disease in related individuals. ClinVar contains an entry for this variant (Variation ID: 17771). Invitae Evidence Modeling of protein sequence and biophysical properties (such as structural, functional, and spatial information, amino acid conservation, physicochemical variation, residue mobility, and thermodynamic stability) indicates that this missense variant is expected to disrupt SLC4A1 protein function with a positive predictive value of 80%. Experimental studies have shown that this missense change affects SLC4A1 function (PMID: 19289107, 20151848). For these reasons, this variant has been classified as Pathogenic.

Rare Kidney Stone Consortium and the Mayo Clinic Hyperoxaluria Center, Mayo Clinic
Classification: Pathogenic for Renal tubular acidosis, distal, 4, with hemolytic anemia; Autosomal dominant distal renal tubular acidosis. Last evaluated: 2025-05-01. Review status: criteria provided, single submitter. Criteria: ACMG Guidelines, 2015. Collection method: research. Allele origin: germline. Affected: yes.
Comment: ACMG: PS1, PS3, PM3, PP4

homozygote

Revvity Omics, Revvity
Classification: Pathogenic. Last evaluated: 2025-03-05. Review status: criteria provided, single submitter. Criteria: ACMG Guidelines, 2015. Collection method: clinical testing. Allele origin: germline.

3billion
Classification: Pathogenic for Renal tubular acidosis, distal, 4, with hemolytic anemia. Last evaluated: 2024-12-30. Review status: criteria provided, single submitter. Criteria: ACMG Guidelines, 2015. Collection method: clinical testing. Allele origin: germline. Affected: yes.
Comment: The variant is observed at an extremely low frequency in the gnomAD v4.1.0 dataset (total allele frequency: 0.003%). Predicted Consequence/Location: Missense variant In silico tool predictions suggest damaging effect of the variant on gene or gene product [REVEL: 0.70 (>=0.6, sensitivity 0.68 and specificity 0.92); 3Cnet: 0.12 (>=0.6, sensitivity 0.72 and precision 0.9)]. The same nucleotide change resulting in the same amino acid change has been previously reported as pathogenic/likely pathogenic with strong evidence (ClinVar ID: VCV000017771 /PMID: 10926824 /3billion dataset). The variant has been reported to be in trans with a pathogenic variant as either compound heterozygous or homozygous in at least 4 similarly affected unrelated individuals (PMID: 22126643). Therefore, this variant is classified as Pathogenic according to the recommendation of ACMG/AMP guideline.

Blueprint Genetics
Classification: Pathogenic for SLC4A1-related disorders. Last evaluated: 2024-08-14. Review status: criteria provided, single submitter. Criteria: ACMG Guidelines, 2015. Collection method: clinical testing. Allele origin: germline. Affected: yes. Observed: 3 variant alleles.

Fulgent Genetics
Classification: Pathogenic for BLOOD GROUP--DIEGO SYSTEM; BLOOD GROUP, WALDNER; BLOOD GROUP--WRIGHT ANTIGEN; Southeast Asian ovalocytosis; Autosomal dominant distal renal tubular acidosis; Cryohydrocytosis; BLOOD GROUP--SWANN SYSTEM; BLOOD GROUP--FROESE; Malaria, susceptibility to; Renal tubular acidosis, distal, 4, with hemolytic anemia; Hereditary spherocytosis type 4. Last evaluated: 2024-04-18. Review status: criteria provided, single submitter. Criteria: ACMG Guidelines, 2015. Collection method: clinical testing. Allele origin: germline.

Neuberg Centre For Genomic Medicine, NCGM
Classification: Pathogenic for Renal tubular acidosis, distal, 4, with hemolytic anemia. Last evaluated: 2024-02-01. Review status: criteria provided, single submitter. Criteria: ACMG Guidelines, 2015. Collection method: clinical testing. Allele origin: germline. Inheritance: Autosomal recessive inheritance.
Comment: The observed missense c.2573C>A (p.Ala858Asp) variant in SLC4A1 gene has been previously reported in homozygous and compound heterozygous states in individuals affected with Distal Renal Tubular Acidosis (Shaikh W, et al., 2023; Deejai N, et al., 2022). This variant has been observed to segregate with disease in related individuals. Experimental studies have shown that this missense change affects SLC4A1 function (Ungsupravate D, et al., 2010). The amino acid Ala at position 858 is changed to a Asp changing protein sequence and it might alter its composition and physicochemical properties. For these reasons, this variant has been classified as a Pathogenic.

Neuberg Centre For Genomic Medicine, NCGM
Classification: Pathogenic for Autosomal dominant distal renal tubular acidosis. Last evaluated: 2023-07-22. Review status: criteria provided, single submitter. Criteria: ACMG Guidelines, 2015. Collection method: clinical testing. Allele origin: germline. Inheritance: Autosomal dominant inheritance. Affected: yes.
Comment: The observed missense c.2573C>Ap.Ala858Asp variant in SLC4A1 gene has been reported previously in heterozygous or homozygous state in individuals affected with Hemolytic Anemia and Distal Renal Tubular Acidosis Shaikh et al., 2023. Experimental studies have shown that this missense change affects SLC4A1 function Ungsupravate et al., 2010. This variant is reported with the allele frequency of 0.01% in the gnomAD Exomes. This variant has been reported to the ClinVar database as Uncertain Significance / Likely Pathogenic / Pathogenic multiple submissions. The amino acid Ala at position 858 is changed to a Asp changing protein sequence and it might alter its composition and physico-chemical properties. The amino acid change p.Ala858Asp in SLC4A1 is predicted as conserved by GERP++ and PhyloP across 100 vertebrates. Multiple lines of computational evidence Polyphen - Possibly Damaging, SIFT - Damaging, and MutationTaster - Disease causing automatic predict a damaging effect on protein structure and function for this variant. For these reasons, this variant has been classified as Pathogenic.

NM_000342.4(SLC4A1):c.2573C>A (p.Ala858Asp)

Gene: SLC4A1 (solute carrier family 4 member 1 (Diego blood group); minus strand). Cytogenetic location: 17q21.31.
Variant type: single nucleotide variant.
Coding change: c.2573C>A on transcript NM_000342.4 (MANE Select); coding-DNA position 2573, C replaced by A.
Protein change: p.Ala858Asp; replaces alanine 858 with aspartic acid.
Molecular consequence: missense variant.
Genome position (GRCh38, 1-based): chr17:44,251,241, G>T on the plus strand (C>A on the coding strand, the complement: SLC4A1 is on the minus strand). VCF-style: chr17-44251241-G-T. GRCh37 (hg19) VCF-style: chr17-42328609-G-T.
Other names: c.2573C>A (NM_000342.2); short protein forms A858D.
Identifiers: ClinVar variation 17771 (VCV000017771.40), dbSNP rs121912751, ClinGen allele CA127396.